The following is an entry in ClinVar:

NM_024685.4(BBS10):c.1074G>A (p.Ser358=)

Gene: BBS10 (Bardet-Biedl syndrome 10; minus strand). Cytogenetic location: 12q21.2.
Variant type: single nucleotide variant.
Coding change: c.1074G>A on transcript NM_024685.4 (MANE Select); coding-DNA position 1074, G replaced by A.
Protein change: p.Ser358=; no amino-acid change (serine 358 retained).
Molecular consequence: synonymous variant.
Genome position (GRCh38, 1-based): chr12:76,346,911, C>T on the plus strand (G>A on the coding strand, the complement: BBS10 is on the minus strand). VCF-style: chr12-76346911-C-T. GRCh37 (hg19) VCF-style: chr12-76740691-C-T.
Identifiers: ClinVar variation 699053 (VCV000699053.15), dbSNP rs551803123, ClinGen allele CA6694230.

ClinVar aggregate classification (germline): Benign/Likely benign. Review status: criteria provided, multiple submitters, no conflicts (2 of 4 stars). 4 submissions from 4 submitters: Benign (1); Likely benign (1). 2 of the submissions do not count toward it. Last evaluated 2025-11-05.

Conditions:
Bardet-Biedl syndrome 10 (BBS10). Identifiers: Orphanet 110, MedGen C1859568, MONDO:0014438, OMIM 615987.
BBS10-related disorder. Also called: BBS10-related condition.
Bardet-Biedl syndrome (BBS). Identifiers: Orphanet 110, MedGen C0752166, MONDO:0015229.

Allele frequency attached by ClinVar (database versions not stated): TOPMed 0.00010; 1000 Genomes Project 30x 0.00031; 1000 Genomes Project 0.00040.
gnomAD v4.1: 36 of 1,612,516 alleles (0.0022%); highest among the groups gnomAD compares: East Asian, 0.071%; 1 homozygote.

Submissions (4):

Labcorp Genetics (formerly Invitae), Labcorp
Classification: Benign for Bardet-Biedl syndrome. Last evaluated: 2025-11-05. Review status: criteria provided, single submitter. Criteria: Invitae Variant Classification Sherloc (09022015). Collection method: clinical testing. Allele origin: germline.

Blueprint Genetics
Classification: Likely benign. Last evaluated: 2024-03-21. Review status: criteria provided, single submitter. Criteria: ACMG Guidelines, 2015. Collection method: clinical testing. Allele origin: germline.

Natera, Inc.
Classification: Benign for Bardet-Biedl syndrome type 10. Last evaluated: 2020-09-22. Review status: no assertion criteria provided. Collection method: clinical testing. Allele origin: germline. Not counted in ClinVar's aggregate classification.

PreventionGenetics, part of Exact Sciences
Classification: Likely benign for BBS10-related condition. Last evaluated: 2020-01-28. Review status: no assertion criteria provided. Collection method: clinical testing. Allele origin: germline. Not counted in ClinVar's aggregate classification.
Comment: This variant is classified as likely benign based on ACMG/AMP sequence variant interpretation guidelines (Richards et al. 2015 PMID: 25741868, with internal and published modifications).